The following is an entry in ClinVar:

NM_181507.2(HPS5):c.2402G>A (p.Ser801Asn)

Gene: HPS5 (HPS5 biogenesis of lysosomal organelles complex 2 subunit 2; minus strand). Cytogenetic location: 11p15.1.
Variant type: single nucleotide variant.
Coding change: c.2402G>A on transcript NM_181507.2 (MANE Select); coding-DNA position 2402, G replaced by A.
Protein change: p.Ser801Asn; replaces serine 801 with asparagine.
Molecular consequence: missense variant.
Genome position (GRCh38, 1-based): chr11:18,291,480, C>T on the plus strand (G>A on the coding strand, the complement: HPS5 is on the minus strand). VCF-style: chr11-18291480-C-T. GRCh37 (hg19) VCF-style: chr11-18313027-C-T.
Other names: c.2060G>A, p.Ser687Asn (NM_007216.4, NM_181508.2); short protein forms S687N, S801N.
Identifiers: ClinVar variation 730592 (VCV000730592.18), dbSNP rs145135349, ClinGen allele CA5909869.

ClinVar aggregate classification (germline): Conflicting classifications of pathogenicity. Review status: criteria provided, conflicting classifications (1 of 4 stars). 6 submissions from 6 submitters: Uncertain significance (2); Likely benign (4). Last evaluated 2026-01-28.

Conditions:
HPS5-related disorder. Also called: HPS5-related condition.
Inborn genetic diseases. Identifiers: MedGen C0950123, MeSH D030342.

Allele frequency attached by ClinVar (database versions not stated): gnomAD exomes 0.00010 and 0.00024; ExAC 0.00027; 1000 Genomes Project 0.00040; 1000 Genomes Project 30x 0.00078; gnomAD 0.00115 and 0.00123; TOPMed 0.00124; ESP Exome Variant Server 0.00131.
gnomAD v4.1: 328 of 1,612,536 alleles (0.02%); highest among the groups gnomAD compares: African/African-American, 0.4%; 1 homozygote.

Submissions (6):

Labcorp Genetics (formerly Invitae), Labcorp
Classification: Likely benign. Last evaluated: 2026-01-28. Review status: criteria provided, single submitter. Criteria: Invitae Variant Classification Sherloc (09022015). Collection method: clinical testing. Allele origin: germline.

PreventionGenetics, part of Exact Sciences
Classification: Likely benign for HPS5-related condition. Last evaluated: 2025-06-23. Review status: criteria provided, single submitter. Criteria: ACMG Guidelines, 2015. Collection method: clinical testing. Allele origin: germline.
Comment: This variant is classified as likely benign based on ACMG/AMP sequence variant interpretation guidelines (Richards et al. 2015 PMID: 25741868, with internal and published modifications).

Blueprint Genetics
Classification: Likely benign. Last evaluated: 2024-11-27. Review status: criteria provided, single submitter. Criteria: ACMG Guidelines, 2015. Collection method: clinical testing. Allele origin: germline.

Ambry Genetics
Classification: Uncertain significance for Inborn genetic diseases. Last evaluated: 2024-10-23. Review status: criteria provided, single submitter. Criteria: Ambry Variant Classification Scheme 2023. Collection method: clinical testing. Allele origin: germline.

Women's Health and Genetics/Laboratory Corporation of America, LabCorp
Classification: Likely benign. Last evaluated: 2023-11-29. Review status: criteria provided, single submitter. Criteria: LabCorp Variant Classification Summary - May 2015. Collection method: clinical testing. Allele origin: germline.
Comment: Variant summary: HPS5 c.2402G>A (p.Ser801Asn) results in a conservative amino acid change in the encoded protein sequence. Five of five in-silico tools predict a benign effect of the variant on protein function. The variant allele was found at a frequency of 0.00024 in 251090 control chromosomes, predominantly at a frequency of 0.0035 within the African or African-American subpopulation in the gnomAD database. The observed variant frequency within African or African-American control individuals in the gnomAD database is approximately 7 fold of the estimated maximal expected allele frequency for a pathogenic variant in HPS5 causing Hermansky-Pudlak Syndrome phenotype (0.00047), strongly suggesting that the variant is a benign polymorphism found primarily in populations of African or African-American origin. To our knowledge, no occurrence of c.2402G>A in individuals affected with Hermansky-Pudlak Syndrome and no experimental evidence demonstrating its impact on protein function have been reported. Three submitters have cited clinical-significance assessments for this variant to ClinVar after 2014 and classified as likely benign (n=1) and VUS (n=2). Based on the evidence outlined above, the variant was classified as likely benign.

GeneDx
Classification: Uncertain significance. Last evaluated: 2020-06-24. Review status: criteria provided, single submitter. Criteria: GeneDx Variant Classification Process June 2021. Collection method: clinical testing. Allele origin: germline. Affected: yes.
Comment: In silico analysis supports that this missense variant does not alter protein structure/function; Has not been previously published as pathogenic or benign to our knowledge